The following is an entry in ClinVar:

NM_002474.3(MYH11):c.2467T>A (p.Cys823Ser)

Gene: MYH11 (myosin heavy chain 11; minus strand). Cytogenetic location: 16p13.11.
Variant type: single nucleotide variant.
Coding change: c.2467T>A on transcript NM_002474.3 (MANE Select); coding-DNA position 2467, T replaced by A.
Protein change: p.Cys823Ser; replaces cysteine 823 with serine.
Molecular consequence: missense variant.
Genome position (GRCh38, 1-based): chr16:15,745,182, A>T on the plus strand (T>A on the coding strand, the complement: MYH11 is on the minus strand). VCF-style: chr16-15745182-A-T. GRCh37 (hg19) VCF-style: chr16-15839039-A-T.
Other names: c.2488T>A, p.Cys830Ser (NM_001040113.2, NM_001040114.2); c.2467T>A, p.Cys823Ser (NM_022844.3); short protein forms C823S, C830S.
Identifiers: ClinVar variation 4745679 (VCV004745679.2).
Genomic context (GRCh38, chr16:15,745,182, plus strand): 5'-CACTCACTTTGGTGAAAAGCCTCCACCACTGCCAGTTCCGCAGCTTGAGGTAGGCGGCGC[A>T]GTTCCTCTGAATCACCTTCATGGCGGTCAGCTGCTGCTGCCTCTTGGCAAAAGCCCTAGG-3'
Protein context (NP_002465.1, residues 813-833): LTAMKVIQRN[Cys823Ser]AAYLKLRNWQ

ClinVar aggregate classification (germline): Uncertain significance. Review status: criteria provided, multiple submitters, no conflicts (2 of 4 stars). 3 submissions from 3 submitters: Uncertain significance (3). Last evaluated 2025-09-06.

Conditions:
Familial thoracic aortic aneurysm and aortic dissection (TAAD). Also called: Thoracic aortic aneurysms and dissections. Identifiers: Orphanet 91387, MedGen C4707243, MONDO:0019625.
Aortic aneurysm, familial thoracic 4 (AAT4). Also called: AORTIC ANEURYSM/AORTIC DISSECTION AND PATENT DUCTUS ARTERIOSUS. Identifiers: MedGen C1851504, MONDO:0007568, OMIM 132900.

gnomAD v4.1: 1 of 1,614,140 alleles (0.000062%); highest among the groups gnomAD compares: Non-Finnish European, 0.000085%; no homozygotes.

Submissions (3):

Labcorp Genetics (formerly Invitae), Labcorp
Classification: Uncertain significance for Aortic aneurysm, familial thoracic 4. Last evaluated: 2025-09-06. Review status: criteria provided, single submitter. Criteria: Invitae Variant Classification Sherloc (09022015). Collection method: clinical testing. Allele origin: germline.
Comment: This sequence change replaces cysteine, which is neutral and slightly polar, with serine, which is neutral and polar, at codon 830 of the MYH11 protein (p.Cys830Ser). This variant is not present in population databases (gnomAD no frequency). This variant has not been reported in the literature in individuals affected with MYH11-related conditions. Invitae Evidence Modeling of protein sequence and biophysical properties (such as structural, functional, and spatial information, amino acid conservation, physicochemical variation, residue mobility, and thermodynamic stability) indicates that this missense variant is not expected to disrupt MYH11 protein function with a negative predictive value of 95%. In summary, the available evidence is currently insufficient to determine the role of this variant in disease. Therefore, it has been classified as a Variant of Uncertain Significance.

Color Diagnostics, LLC DBA Color Health
Classification: Uncertain significance for Familial thoracic aortic aneurysm and aortic dissection. Last evaluated: 2025-08-07. Review status: criteria provided, single submitter. Criteria: ACMG Guidelines, 2015. Collection method: clinical testing. Allele origin: germline.
Comment: This missense variant replaces cysteine with serine at codon 830 of the MYH11 protein. Computational prediction suggests that this variant may have deleterious impact on protein structure and function. To our knowledge, functional studies have not been reported for this variant. This variant has not been reported in individuals affected with MYH11-related disorders in the literature. This variant has not been identified in the general population by the Genome Aggregation Database (gnomAD). The available evidence is insufficient to determine the role of this variant in disease conclusively. Therefore, this variant is classified as a Variant of Uncertain Significance.

Centre of Medical Genetics, University of Antwerp
Classification: Uncertain significance for Familial thoracic aortic aneurysm and aortic dissection. Last evaluated: 2024-09-06. Review status: criteria provided, single submitter. Criteria: ACMG Guidelines, 2015. Collection method: clinical testing. Allele origin: germline. Affected: yes.